The following is an entry in ClinVar:

NM_001160372.4(TRAPPC9):c.3414T>G (p.Ser1138Arg)

Gene: TRAPPC9 (trafficking protein particle complex subunit 9; minus strand). Cytogenetic location: 8q24.3.
Variant type: single nucleotide variant.
Coding change: c.3414T>G on transcript NM_001160372.4 (MANE Select); coding-DNA position 3414, T replaced by G.
Protein change: p.Ser1138Arg; replaces serine 1138 with arginine.
Molecular consequence: missense variant. On other transcripts: non-coding transcript variant (1).
Genome position (GRCh38, 1-based): chr8:139,731,094, A>C on the plus strand (T>G on the coding strand, the complement: TRAPPC9 is on the minus strand). VCF-style: chr8-139731094-A-C. GRCh37 (hg19) VCF-style: chr8-140743337-A-C.
Other names: c.3387T>G, p.Ser1129Arg (NM_001321646.2); c.3435T>G, p.Ser1145Arg (NM_001374682.1); c.3303T>G, p.Ser1101Arg (NM_001374683.1); c.3270T>G, p.Ser1090Arg (NM_001374684.1); c.3414T>G, p.Ser1138Arg (NM_031466.8); short protein forms S1138R, S1236R, S1129R, S1090R, S1101R, S1145R.
Identifiers: ClinVar variation 362060 (VCV000362060.24), dbSNP rs147127279, ClinGen allele CA4892711.

ClinVar aggregate classification (germline): Conflicting classifications of pathogenicity. Review status: criteria provided, conflicting classifications (1 of 4 stars). 4 submissions from 4 submitters: Uncertain significance (1); Likely benign (2). 1 of the submissions does not count toward it. Last evaluated 2025-12-19.

Conditions:
Inborn genetic diseases. Identifiers: MedGen C0950123, MeSH D030342.
Intellectual disability. Also called: Intellectual developmental disorder; Intellectual functioning disability; intellectual disabilities. Identifiers: MedGen C3714756, MeSH D008607, MONDO:0001071, HP:0001249.

Allele frequency attached by ClinVar (database versions not stated): 1000 Genomes Project 0.00060; 1000 Genomes Project 30x 0.00062; gnomAD 0.00089; TOPMed 0.00053; ESP Exome Variant Server 0.00062.
gnomAD v4.1: 1,584 of 1,613,644 alleles (0.098%); highest among the groups gnomAD compares: Non-Finnish European, 0.11%; 2 homozygotes.

Submissions (4):

Labcorp Genetics (formerly Invitae), Labcorp
Classification: Likely benign. Last evaluated: 2025-12-19. Review status: criteria provided, single submitter. Criteria: Invitae Variant Classification Sherloc (09022015). Collection method: clinical testing. Allele origin: germline.

Ambry Genetics
Classification: Uncertain significance for Inborn genetic diseases. Last evaluated: 2017-10-27. Review status: criteria provided, single submitter. Criteria: Ambry Variant Classification Scheme 2023. Collection method: clinical testing. Allele origin: germline.
Comment: The p.S1236R variant (also known as c.3708T>G), located in coding exon 23 of the TRAPPC9 gene, results from a T to G substitution at nucleotide position 3708. The serine at codon 1236 is replaced by arginine, an amino acid with dissimilar properties. This amino acid position is well conserved in available vertebrate species. In addition, the in silico prediction for this alteration is inconclusive. Since supporting evidence is limited at this time, the clinical significance of this alteration remains unclear.

Genetic Services Laboratory, University of Chicago
Classification: Likely benign. Last evaluated: 2015-11-24. Review status: criteria provided, single submitter. Criteria: ACMG Guidelines, 2015. Collection method: clinical testing. Allele origin: germline. Affected: no.

Centre de Biologie Pathologie Génétique, Centre Hospitalier Universitaire de Lille
Classification: Uncertain significance for Intellectual disability. Last evaluated: 2019-01-01. Review status: no assertion criteria provided. Collection method: clinical testing. Allele origin: unknown. Affected: yes. Not counted in ClinVar's aggregate classification.